The following is an entry in ClinVar:

NM_201253.3(CRB1):c.2815T>G (p.Cys939Gly)

Gene: CRB1 (crumbs cell polarity complex component 1; plus strand). Cytogenetic location: 1q31.3.
Variant type: single nucleotide variant.
Coding change: c.2815T>G on transcript NM_201253.3 (MANE Select); coding-DNA position 2815, T replaced by G.
Protein change: p.Cys939Gly; replaces cysteine 939 with glycine.
Molecular consequence: missense variant. On other transcripts: non-coding transcript variant (2), intron variant (1).
Genome position (GRCh38, 1-based): chr1:197,429,587, T>G. VCF-style: chr1-197429587-T-G. GRCh37 (hg19) VCF-style: chr1-197398717-T-G.
Other names: c.2479T>G, p.Cys827Gly (NM_001193640.2); c.2743T>G, p.Cys915Gly (NM_001257965.2); c.2129-6013T>G (NM_001257966.2); short protein forms C827G, C915G, C939G.
Identifiers: ClinVar variation 2925305 (VCV002925305.4), dbSNP rs1664775504, ClinGen allele CA344041303.

ClinVar aggregate classification (germline): Pathogenic/Likely pathogenic. Review status: criteria provided, multiple submitters, no conflicts (2 of 4 stars). 2 submissions from 2 submitters: Pathogenic (1); Likely pathogenic (1). Last evaluated 2024-02-19.

Conditions:
Leber congenital amaurosis 8 (LCA8). Identifiers: Orphanet 65, MedGen C3151202, MONDO:0013453, OMIM 613835.
Retinitis pigmentosa 12 (RP12). Also called: RP WITH OR WITHOUT PRESERVED PARAARTERIOLE RETINAL PIGMENT EPITHELIUM; RETINITIS PIGMENTOSA WITH OR WITHOUT PARAARTERIOLAR PRESERVATION OF RETINAL PIGMENT EPITHELIUM; RP WITH OR WITHOUT PPRPE. Identifiers: Orphanet 791, MedGen C1838647, MONDO:0010818, OMIM 600105.

Allele frequency attached by ClinVar (database versions not stated): gnomAD exomes below 0.00001.
gnomAD v4.1: 1 of 1,614,024 alleles (0.000062%); highest among the groups gnomAD compares: Non-Finnish European, 0.000085%; no homozygotes.

Submissions (2):

Baylor Genetics
Classification: Pathogenic for Leber congenital amaurosis 8. Last evaluated: 2024-02-19. Review status: criteria provided, single submitter. Criteria: ACMG Guidelines, 2015. Collection method: clinical testing. Allele origin: unknown.

Labcorp Genetics (formerly Invitae), Labcorp
Classification: Likely pathogenic for Leber congenital amaurosis 8; Retinitis pigmentosa 12. Last evaluated: 2023-08-05. Review status: criteria provided, single submitter. Criteria: Invitae Variant Classification Sherloc (09022015). Collection method: clinical testing. Allele origin: germline.
Comment: This variant is not present in population databases (gnomAD no frequency). This sequence change replaces cysteine, which is neutral and slightly polar, with glycine, which is neutral and non-polar, at codon 939 of the CRB1 protein (p.Cys939Gly). In summary, the currently available evidence indicates that the variant is pathogenic, but additional data are needed to prove that conclusively. Therefore, this variant has been classified as Likely Pathogenic. This variant disrupts the p.Cys939 amino acid residue in CRB1. Other variant(s) that disrupt this residue have been determined to be pathogenic (PMID: 18055821; Invitae). This suggests that this residue is clinically significant, and that variants that disrupt this residue are likely to be disease-causing. Advanced modeling of protein sequence and biophysical properties (such as structural, functional, and spatial information, amino acid conservation, physicochemical variation, residue mobility, and thermodynamic stability) has been performed at Invitae for this missense variant, however the output from this modeling did not meet the statistical confidence thresholds required to predict the impact of this variant on CRB1 protein function. This missense change has been observed in individuals with Leber congenital amaurosis (PMID: 26047050, 33342761).

Literature cited by the submitters: PubMed 18055821 (cited by Labcorp Genetics (formerly Invitae), Labcorp); PubMed 26047050 (cited by Labcorp Genetics (formerly Invitae), Labcorp); PubMed 33342761 (cited by Labcorp Genetics (formerly Invitae), Labcorp).